The following is an entry in ClinVar:

NM_014633.5(CTR9):c.1530G>A (p.Met510Ile)

Genes: CTR9 (CTR9 component of Paf1/RNA polymerase II complex; plus strand), LOC126861140 (CDK7 strongly-dependent group 2 enhancer GRCh37_chr11:10785333-10786532; plus strand). Cytogenetic location: 11p15.4.
Variant type: single nucleotide variant.
Coding change: c.1530G>A on transcript NM_014633.5 (MANE Select); coding-DNA position 1530, G replaced by A.
Protein change: p.Met510Ile; replaces methionine 510 with isoleucine.
Molecular consequence: missense variant.
Genome position (GRCh38, 1-based): chr11:10,764,664, G>A. VCF-style: chr11-10764664-G-A. GRCh37 (hg19) VCF-style: chr11-10786211-G-A.
Other names: c.1530G>A, p.Met510Ile (NM_001346279.2); short protein forms M510I.
Identifiers: ClinVar variation 2897766 (VCV002897766.3), dbSNP rs1296689699, ClinGen allele CA379668505.

ClinVar aggregate classification (germline): Uncertain significance (1 of 4 stars; one submission).

Allele frequency attached by ClinVar (database versions not stated): gnomAD exomes below 0.00001; TOPMed below 0.00001.
gnomAD v4.1: 2 of 1,612,990 alleles (0.00012%); highest among the groups gnomAD compares: Admixed American, 0.0017%; no homozygotes.

Submission:

Labcorp Genetics (formerly Invitae), Labcorp
Classification: Uncertain significance. Last evaluated: 2024-04-29. Review status: criteria provided, single submitter. Criteria: Invitae Variant Classification Sherloc (09022015). Collection method: clinical testing. Allele origin: germline.
Comment: This sequence change replaces methionine, which is neutral and non-polar, with isoleucine, which is neutral and non-polar, at codon 510 of the CTR9 protein (p.Met510Ile). The frequency data for this variant in the population databases is considered unreliable, as metrics indicate poor data quality at this position in the gnomAD database. This variant has not been reported in the literature in individuals affected with CTR9-related conditions. An algorithm developed to predict the effect of missense changes on protein structure and function (PolyPhen-2) suggests that this variant is likely to be tolerated. In summary, the available evidence is currently insufficient to determine the role of this variant in disease. Therefore, it has been classified as a Variant of Uncertain Significance.